The following is an entry in ClinVar:

ClinVar aggregate classification (germline): Conflicting classifications of pathogenicity. Review status: criteria provided, conflicting classifications (1 of 4 stars). 2 submissions from 2 submitters: Uncertain significance (1); Likely benign (1). Last evaluated 2025-05-22.

Conditions:
Epidermolysis bullosa simplex 5B, with muscular dystrophy (EBS5B). Also called: EPIDERMOLYSIS BULLOSA SIMPLEX AND LIMB-GIRDLE MUSCULAR DYSTROPHY; Epidermolysis bullosa simplex with muscular dystrophy. Identifiers: Orphanet 257, MedGen C2931072, MONDO:0009181, OMIM 226670.
Epidermolysis bullosa simplex, Ogna type (EBS5A). Also called: Pidermolysis bullosa simplex 5A, Ogna type; EPIDERMOLYSIS BULLOSA SIMPLEX 5A, OGNA TYPE. Identifiers: Orphanet 79401, MedGen C0432317, MONDO:0007555, OMIM 131950.
Epidermolysis bullosa simplex 5C, with pyloric atresia (EBS5C). Also called: PLEC-Related Epidermolysis Bullosa with Pyloric Atresia; Epidermolysis bullosa simplex with pyloric atresia; PLEC1-Related Epidermolysis Bullosa with Pyloric Atresia. Identifiers: Orphanet 158684, MedGen C2677349, MONDO:0012807, OMIM 612138.
Epidermolysis bullosa simplex with nail dystrophy (EBS5D). Identifiers: MedGen C4225309, MONDO:0014661, OMIM 616487.
Autosomal recessive limb-girdle muscular dystrophy type 2Q (LGMDR17). Also called: MUSCULAR DYSTROPHY, LIMB-GIRDLE, AUTOSOMAL RECESSIVE 17. Identifiers: Orphanet 254361, MedGen C3150989, MONDO:0013390, OMIM 613723.

Allele frequency attached by ClinVar (database versions not stated): gnomAD exomes below 0.00001 and 0.00001.
gnomAD v4.1: 13 of 1,612,572 alleles (0.00081%); highest among the groups gnomAD compares: Non-Finnish European, 0.001%; no homozygotes.

Submissions (2):

Labcorp Genetics (formerly Invitae), Labcorp
Classification: Likely benign for Autosomal recessive limb-girdle muscular dystrophy type 2Q; Epidermolysis bullosa simplex, Ogna type; Epidermolysis bullosa simplex with nail dystrophy; Epidermolysis bullosa simplex 5C, with pyloric atresia; Epidermolysis bullosa simplex 5B, with muscular dystrophy. Last evaluated: 2025-05-22. Review status: criteria provided, single submitter. Criteria: Invitae Variant Classification Sherloc (09022015). Collection method: clinical testing. Allele origin: germline.

GeneDx
Classification: Uncertain significance. Last evaluated: 2024-07-09. Review status: criteria provided, single submitter. Criteria: GeneDx Variant Classification Process June 2021. Collection method: clinical testing. Allele origin: germline. Affected: yes.
Comment: Not observed at significant frequency in large population cohorts (gnomAD); In silico analysis indicates that this variant does not alter splicing; Has not been previously published as pathogenic or benign to our knowledge

NM_201384.3(PLEC):c.1830C>T (p.Ala610=)

Gene: PLEC (plectin; minus strand). Cytogenetic location: 8q24.3.
Variant type: single nucleotide variant.
Coding change: c.1830C>T on transcript NM_201384.3 (MANE Select); coding-DNA position 1830, C replaced by T.
Protein change: p.Ala610=; no amino-acid change (alanine 610 retained).
Molecular consequence: synonymous variant.
Genome position (GRCh38, 1-based): chr8:143,932,547, G>A on the plus strand (C>T on the coding strand, the complement: PLEC is on the minus strand). VCF-style: chr8-143932547-G-A. GRCh37 (hg19) VCF-style: chr8-145006715-G-A.
Other names: c.1911C>T (NM_000445.3); c.1911C>T, p.Ala637= (NM_000445.5); c.1788C>T, p.Ala596= (NM_201378.4); c.1764C>T, p.Ala588= (NM_201379.3); c.2241C>T, p.Ala747= (NM_201380.4); c.1734C>T, p.Ala578= (NM_201381.3); c.1830C>T, p.Ala610= (NM_201382.4); c.1842C>T, p.Ala614= (NM_201383.3).
Identifiers: ClinVar variation 747597 (VCV000747597.8), dbSNP rs1008611582, ClinGen allele CA187621193.